The following is an entry in ClinVar:

ClinVar aggregate classification (germline): Uncertain significance (1 of 4 stars; one submission).

Conditions:
Charcot-Marie-Tooth disease type 4. Also called: Charcot-Marie-Tooth disease, type IV; Charcot-Marie-Tooth, Type 4. Identifiers: Orphanet 64749, MedGen C4082197, MONDO:0018995.

Allele frequency attached by ClinVar (database versions not stated): gnomAD exomes below 0.00001.
gnomAD v4.1: 1 of 1,613,904 alleles (0.000062%); highest among the groups gnomAD compares: Non-Finnish European, 0.000085%; no homozygotes.

Submission:

Labcorp Genetics (formerly Invitae), Labcorp
Classification: Uncertain significance for Charcot-Marie-Tooth disease type 4. Last evaluated: 2024-02-20. Review status: criteria provided, single submitter. Criteria: Invitae Variant Classification Sherloc (09022015). Collection method: clinical testing. Allele origin: germline.
Comment: This sequence change replaces proline, which is neutral and non-polar, with serine, which is neutral and polar, at codon 743 of the PRX protein (p.Pro743Ser). This variant is not present in population databases (gnomAD no frequency). This variant has not been reported in the literature in individuals affected with PRX-related conditions. ClinVar contains an entry for this variant (Variation ID: 1994526). Advanced modeling of protein sequence and biophysical properties (such as structural, functional, and spatial information, amino acid conservation, physicochemical variation, residue mobility, and thermodynamic stability) has been performed at Invitae for this missense variant, however the output from this modeling did not meet the statistical confidence thresholds required to predict the impact of this variant on PRX protein function. In summary, the available evidence is currently insufficient to determine the role of this variant in disease. Therefore, it has been classified as a Variant of Uncertain Significance.

NM_181882.3(PRX):c.2227C>T (p.Pro743Ser)

Gene: PRX (periaxin; minus strand). Cytogenetic location: 19q13.2.
Variant type: single nucleotide variant.
Coding change: c.2227C>T on transcript NM_181882.3 (MANE Select); coding-DNA position 2227, C replaced by T.
Protein change: p.Pro743Ser; replaces proline 743 with serine.
Molecular consequence: missense variant. On other transcripts: 3 prime UTR variant (1).
Genome position (GRCh38, 1-based): chr19:40,396,125, G>A on the plus strand (C>T on the coding strand, the complement: PRX is on the minus strand). VCF-style: chr19-40396125-G-A. GRCh37 (hg19) VCF-style: chr19-40902032-G-A.
Other names: c.2512C>T, p.Pro838Ser (NM_001411127.1); c.*2432C>T (NM_020956.2); short protein forms P743S, P838S.
Identifiers: ClinVar variation 1994526 (VCV001994526.4), dbSNP rs2514804038, ClinGen allele CA405896723.
Genomic context (GRCh38, chr19:40,396,125, plus strand): 5'-CCTTCGGCACTTGCATTTCCGGCAGCCGAATCTCTGACACTTTCGGCAGCTGCACCTCGG[G>A]GAGGTGCACATCGGGCACAGCCATCTCAGGCACCTTGGGGAGTTTTATCTCTGGGAGCTT-3'
Protein context (NP_870998.2, residues 733-753): PEMAVPDVHL[Pro743Ser]EVQLPKVSEI